The following is an entry in ClinVar:

ClinVar aggregate classification (germline): Uncertain significance (1 of 4 stars; one submission).

gnomAD v4.1: 1 of 1,613,802 alleles (0.000062%); highest among the groups gnomAD compares: Non-Finnish European, 0.000085%; no homozygotes.

Submission:

Labcorp Genetics (formerly Invitae), Labcorp
Classification: Uncertain significance. Last evaluated: 2026-01-12. Review status: criteria provided, single submitter. Criteria: Invitae Variant Classification Sherloc (09022015). Collection method: clinical testing. Allele origin: germline.
Comment: This sequence change replaces arginine, which is basic and polar, with tryptophan, which is neutral and slightly polar, at codon 5 of the UQCC3 protein (p.Arg5Trp). This variant is not present in population databases (gnomAD no frequency). This variant has not been reported in the literature in individuals affected with UQCC3-related conditions. An algorithm developed to predict the effect of missense changes on protein structure and function (PolyPhen-2) suggests that this variant is likely to be disruptive. In summary, the available evidence is currently insufficient to determine the role of this variant in disease. Therefore, it has been classified as a Variant of Uncertain Significance.

NM_001085372.3(UQCC3):c.13C>T (p.Arg5Trp)

Genes: LBHD1 (LBH domain containing 1; minus strand), UQCC3 (ubiquinol-cytochrome c reductase complex assembly factor 3; plus strand). Cytogenetic location: 11q12.3.
Variant type: single nucleotide variant.
Coding change: c.13C>T on transcript NM_001085372.3 (MANE Select); coding-DNA position 13, C replaced by T.
Protein change: p.Arg5Trp; replaces arginine 5 with tryptophan.
Molecular consequence: missense variant. On other transcripts: 5 prime UTR variant (12).
Genome position (GRCh38, 1-based): chr11:62,671,758, C>T. VCF-style: chr11-62671758-C-T. GRCh37 (hg19) VCF-style: chr11-62439230-C-T.
Other names: c.-205G>A (NM_001367940.2, NM_024099.5); c.-722G>A (NM_001367941.2); c.-11G>A (NM_001394596.1, NM_001394599.1, NM_001394601.1 and 1 more transcripts); c.-253G>A (NM_001394604.1, NM_001394607.1); c.-398G>A (NM_001394609.1); c.-329G>A (NM_001394611.1); c.-653G>A (NM_001394612.1); short protein forms R5W.
Identifiers: ClinVar variation 4769552 (VCV004769552.1).